The following is an entry in ClinVar:

ClinVar aggregate classification (germline): Uncertain significance (0 of 4 stars; one submission).

Conditions:
SEMA3F-related disorder. Also called: SEMA3F-related condition.

gnomAD v4.1: 2 of 1,614,122 alleles (0.00012%); highest among the groups gnomAD compares: Non-Finnish European, 0.00017%; no homozygotes.

Submission:

PreventionGenetics, part of Exact Sciences
Classification: Uncertain significance for SEMA3F-related condition. Last evaluated: 2024-05-01. Review status: no assertion criteria provided. Collection method: clinical testing. Allele origin: germline.
Comment: The SEMA3F c.268C>T variant is predicted to result in the amino acid substitution p.Leu90Phe. To our knowledge, this variant has not been reported in the literature or in a large population database, indicating this variant is rare. At this time, the clinical significance of this variant is uncertain due to the absence of conclusive functional and genetic evidence.

NM_004186.5(SEMA3F):c.268C>T (p.Leu90Phe)

Gene: SEMA3F (semaphorin 3F; plus strand). Cytogenetic location: 3p21.31.
Variant type: single nucleotide variant.
Coding change: c.268C>T on transcript NM_004186.5 (MANE Select); coding-DNA position 268, C replaced by T.
Protein change: p.Leu90Phe; replaces leucine 90 with phenylalanine.
Molecular consequence: missense variant.
Genome position (GRCh38, 1-based): chr3:50,173,948, C>T. VCF-style: chr3-50173948-C-T. GRCh37 (hg19) VCF-style: chr3-50211381-C-T.
Other names: c.64C>T, p.Leu22Phe (NM_001318798.2); c.268C>T, p.Leu90Phe (NM_001318800.2); short protein forms L22F, L90F.
Identifiers: ClinVar variation 3354674 (VCV003354674.1).